The following is an entry in ClinVar:

NM_001003800.2(BICD2):c.185A>C (p.Glu62Ala)

Gene: BICD2 (BICD cargo adaptor 2; minus strand). Cytogenetic location: 9q22.31.
Variant type: single nucleotide variant.
Coding change: c.185A>C on transcript NM_001003800.2 (MANE Select); coding-DNA position 185, A replaced by C.
Protein change: p.Glu62Ala; replaces glutamic acid 62 with alanine.
Molecular consequence: missense variant.
Genome position (GRCh38, 1-based): chr9:92,764,560, T>G on the plus strand (A>C on the coding strand, the complement: BICD2 is on the minus strand). VCF-style: chr9-92764560-T-G. GRCh37 (hg19) VCF-style: chr9-95526842-T-G.
Other names: c.185A>C, p.Glu62Ala (NM_015250.4); short protein forms E62A.
Identifiers: ClinVar variation 838404 (VCV000838404.12), dbSNP rs935505713, ClinGen allele CA196321468.

ClinVar aggregate classification (germline): Uncertain significance. Review status: criteria provided, multiple submitters, no conflicts (2 of 4 stars). 2 submissions from 2 submitters: Uncertain significance (2). Last evaluated 2024-02-14.

Conditions:
Inborn genetic diseases. Identifiers: MedGen C0950123, MeSH D030342.
Autosomal dominant childhood-onset proximal spinal muscular atrophy with contractures (SMALED2A). Also called: SPINAL MUSCULAR ATROPHY, LOWER EXTREMITY-PREDOMINANT, 2A, CHILDHOOD ONSET, AUTOSOMAL DOMINANT; Spinal muscular atrophy, lower extremity-predominant, 2A, autosomal dominant. Identifiers: Orphanet 363447, Orphanet 363454, MedGen C4747715, MONDO:0014121, OMIM 615290.

Allele frequency attached by ClinVar (database versions not stated): gnomAD 0.00001 and 0.00002; gnomAD exomes 0.00002 and 0.00003; TOPMed 0.00003.
gnomAD v4.1: 48 of 1,554,450 alleles (0.0031%); highest among the groups gnomAD compares: Non-Finnish European, 0.0042%; no homozygotes.

Submissions (2):

Labcorp Genetics (formerly Invitae), Labcorp
Classification: Uncertain significance for Autosomal dominant childhood-onset proximal spinal muscular atrophy with contractures. Last evaluated: 2024-02-14. Review status: criteria provided, single submitter. Criteria: Invitae Variant Classification Sherloc (09022015). Collection method: clinical testing. Allele origin: germline.
Comment: This sequence change replaces glutamic acid, which is acidic and polar, with alanine, which is neutral and non-polar, at codon 62 of the BICD2 protein (p.Glu62Ala). This variant is present in population databases (no rsID available, gnomAD 0.005%). This variant has not been reported in the literature in individuals affected with BICD2-related conditions. ClinVar contains an entry for this variant (Variation ID: 838404). Advanced modeling performed at Invitae incorporating data from internal and/or published experimental studies (Invitae) indicates that this missense variant is not expected to disrupt BICD2 function with a negative predictive value of 95%. In summary, the available evidence is currently insufficient to determine the role of this variant in disease. Therefore, it has been classified as a Variant of Uncertain Significance.

Ambry Genetics
Classification: Uncertain significance for Inborn genetic diseases. Last evaluated: 2020-03-27. Review status: criteria provided, single submitter. Criteria: Ambry Variant Classification Scheme 2023. Collection method: clinical testing. Allele origin: germline.
Comment: The p.E62A variant (also known as c.185A>C), located in coding exon 1 of the BICD2 gene, results from an A to C substitution at nucleotide position 185. The glutamic acid at codon 62 is replaced by alanine, an amino acid with dissimilar properties. This amino acid position is well conserved in available vertebrate species. In addition, this alteration is predicted to be tolerated by in silico analysis. Since supporting evidence is limited at this time, the clinical significance of this alteration remains unclear.